The following is an entry in ClinVar:

ClinVar aggregate classification (germline): Uncertain significance (1 of 4 stars; one submission).

Conditions:
Hypertrophic cardiomyopathy. Also called: HYPERTROPHIC MYOCARDIOPATHY. Identifiers: Orphanet 217569, MedGen C0007194, MeSH D002312, MONDO:0005045, HP:0001639.
Primary dilated cardiomyopathy (DCM). Also called: Dilated Cardiomyopathy. Identifiers: Orphanet 217604, MedGen C0007193, MeSH D002311, MONDO:0005021, HP:0001644. Inheritance: Various modes of inheritance.

Submission:

Labcorp Genetics (formerly Invitae), Labcorp
Classification: Uncertain significance for Hypertrophic cardiomyopathy; Primary dilated cardiomyopathy. Last evaluated: 2024-10-23. Review status: criteria provided, single submitter. Criteria: Invitae Variant Classification Sherloc (09022015). Collection method: clinical testing. Allele origin: germline.
Comment: This sequence change replaces aspartic acid, which is acidic and polar, with glycine, which is neutral and non-polar, at codon 239 of the PDLIM3 protein (p.Asp239Gly). This variant is not present in population databases (gnomAD no frequency). This variant has not been reported in the literature in individuals affected with PDLIM3-related conditions. ClinVar contains an entry for this variant (Variation ID: 2124059). Invitae Evidence Modeling of protein sequence and biophysical properties (such as structural, functional, and spatial information, amino acid conservation, physicochemical variation, residue mobility, and thermodynamic stability) indicates that this missense variant is not expected to disrupt PDLIM3 protein function with a negative predictive value of 80%. In summary, the available evidence is currently insufficient to determine the role of this variant in disease. Therefore, it has been classified as a Variant of Uncertain Significance.

NM_014476.6(PDLIM3):c.716A>G (p.Asp239Gly)

Gene: PDLIM3 (PDZ and LIM domain 3; minus strand). Cytogenetic location: 4q35.1.
Variant type: single nucleotide variant.
Coding change: c.716A>G on transcript NM_014476.6 (MANE Select); coding-DNA position 716, A replaced by G.
Protein change: p.Asp239Gly; replaces aspartic acid 239 with glycine.
Molecular consequence: missense variant. On other transcripts: non-coding transcript variant (1).
Genome position (GRCh38, 1-based): chr4:185,506,599, T>C on the plus strand (A>G on the coding strand, the complement: PDLIM3 is on the minus strand). VCF-style: chr4-185506599-T-C. GRCh37 (hg19) VCF-style: chr4-186427753-T-C.
Other names: c.572A>G, p.Asp191Gly (NM_001114107.5); c.452A>G, p.Asp151Gly (NM_001257962.2); c.215A>G, p.Asp72Gly (NM_001257963.2); short protein forms D151G, D191G, D72G, D239G.
Identifiers: ClinVar variation 2124059 (VCV002124059.4), dbSNP rs2478331221, ClinGen allele CA358922810.
Genomic context (GRCh38, chr4:185,506,599, plus strand): 5'-ATTCCCTGGAGCACTCTGAAGGAGCCCGACTGGCGAGGCTGTGTGGGCTCATTCCGATTG[T>C]CGTGGAGCATCCGGTACACGTCCGACTCGGGGGGCACCGAGGCTGTGGGCTCGCTGAAAC-3'
Protein context (NP_055291.2, residues 229-249): PESDVYRMLH[Asp239Gly]NRNEPTQPRQ